The following is an entry in ClinVar:

NM_017763.6(RNF43):c.1146C>A (p.Gly382=)

Gene: RNF43 (ring finger protein 43; minus strand). Cytogenetic location: 17q22.
Variant type: single nucleotide variant.
Coding change: c.1146C>A on transcript NM_017763.6 (MANE Select); coding-DNA position 1146, C replaced by A.
Protein change: p.Gly382=; no amino-acid change (glycine 382 retained).
Molecular consequence: synonymous variant.
Genome position (GRCh38, 1-based): chr17:58,358,630, G>T on the plus strand (C>A on the coding strand, the complement: RNF43 is on the minus strand). VCF-style: chr17-58358630-G-T. GRCh37 (hg19) VCF-style: chr17-56435991-G-T.
Other names: c.1146C>A, p.Gly382= (NM_001305544.3, NM_001438820.1, NM_001438821.1 and 1 more transcripts); c.765C>A, p.Gly255= (NM_001305545.2, NM_001437987.1).
Identifiers: ClinVar variation 5042350 (VCV005042350.1).

ClinVar aggregate classification (germline): Benign (1 of 4 stars; one submission).

Conditions:
Sessile serrated polyposis cancer syndrome (SSPCS). Identifiers: Orphanet 157798, MedGen C4310714, MONDO:0014919, OMIM 617108.

Submission:

Myriad Genetics, Inc.
Classification: Benign for Sessile serrated polyposis cancer syndrome. Last evaluated: 2026-07-01. Review status: criteria provided, single submitter. Criteria: Myriad Autosomal Dominant, Autosomal Recessive and X-Linked Classification Criteria (2023). Collection method: clinical testing. Allele origin: unknown.
Comment: This variant is considered benign. This variant is a silent/synonymous amino acid change and it is not expected to impact splicing.